The following is an entry in ClinVar:

NM_003001.5(SDHC):c.383C>A (p.Thr128Asn)

Gene: SDHC (succinate dehydrogenase complex subunit C; plus strand). Cytogenetic location: 1q23.3.
Variant type: single nucleotide variant.
Coding change: c.383C>A on transcript NM_003001.5 (MANE Select); coding-DNA position 383, C replaced by A.
Protein change: p.Thr128Asn; replaces threonine 128 with asparagine.
Molecular consequence: missense variant. On other transcripts: non-coding transcript variant (1), intron variant (3).
Genome position (GRCh38, 1-based): chr1:161,356,818, C>A. VCF-style: chr1-161356818-C-A. GRCh37 (hg19) VCF-style: chr1-161326608-C-A.
Other names: c.281C>A, p.Thr94Asn (NM_001035512.3); c.224C>A, p.Thr75Asn (NM_001035513.3); c.503C>A, p.Thr168Asn (NM_001407115.1); c.326C>A, p.Thr109Asn (NM_001407116.1); c.320C>A, p.Thr107Asn (NM_001407117.1); c.275C>A, p.Thr92Asn (NM_001407118.1); c.272C>A, p.Thr91Asn (NM_001407119.1, NM_001407120.1); c.242-5511C>A (NM_001035511.3); and 2 more; short protein forms T107N, T109N, T128N, T168N, T75N, T91N, T92N, T94N.
Identifiers: ClinVar variation 3385995 (VCV003385995.1).

ClinVar aggregate classification (germline): Uncertain significance (1 of 4 stars; one submission).

Conditions:
Hereditary pheochromocytoma and paraganglioma. Also called: Hereditary Paraganglioma-Pheochromocytoma Syndromes; Hereditary pheochromocytoma-paraganglioma; Hereditary paragangliomas and pheochromocytomas. Identifiers: Orphanet 29072, MedGen C4274332, MONDO:0017366.

Submission:

All of Us Research Program, National Institutes of Health
Classification: Uncertain significance for Hereditary pheochromocytoma and paraganglioma. Last evaluated: 2024-03-14. Review status: criteria provided, single submitter. Criteria: ACMG Guidelines, 2015. Collection method: clinical testing. Allele origin: germline. Inheritance: Autosomal dominant inheritance. Observed: 1 variant allele, 1 heterozygote.
Comment: This missense variant replaces threonine with asparagine at codon 128 of the SDHC protein. Computational prediction is inconclusive regarding the impact of this variant on protein structure and function (internally defined REVEL score threshold 0.5 < inconclusive < 0.7, PMID: 27666373). To our knowledge, functional studies have not been reported for this variant. This variant has not been reported in individuals affected with SDHC-related disorders in the literature. This variant has not been identified in the general population by the Genome Aggregation Database (gnomAD). The available evidence is insufficient to determine the role of this variant in disease conclusively. Therefore, this variant is classified as a Variant of Uncertain Significance.

This study involves interpretation of variants in research participants for the purpose of population health screening. Participant phenotype was not available at the time of variant classification. Additional details can be found in publication PMID: 35346344, PMCID: PMC8962531